The following is an entry in ClinVar:

ClinVar aggregate classification (germline): Uncertain significance. Review status: criteria provided, multiple submitters, no conflicts (2 of 4 stars). 2 submissions from 2 submitters: Uncertain significance (2). Last evaluated 2026-06-27.

Conditions:
Cardiovascular phenotype. Identifiers: MedGen CN230736.

Allele frequency attached by ClinVar (database versions not stated): gnomAD exomes below 0.00001 and 0.00001; ExAC 0.00002.
gnomAD v4.1: 5 of 1,613,962 alleles (0.00031%); highest among the groups gnomAD compares: South Asian, 0.0022%; no homozygotes.

Submissions (2):

Ambry Genetics
Classification: Uncertain significance for Cardiovascular phenotype. Last evaluated: 2026-06-27. Review status: criteria provided, single submitter. Criteria: Ambry Variant Classification Scheme 2023. Collection method: clinical testing. Allele origin: germline.
Comment: The p.I776T variant (also known as c.2327T>C), located in coding exon 6 of the ALPK3 gene, results from a T to C substitution at nucleotide position 2327. The isoleucine at codon 776 is replaced by threonine, an amino acid with similar properties. This amino acid position is conserved. In addition, this alteration is predicted to be tolerated by in silico analysis. Based on the available evidence, the clinical significance of this variant remains unclear.

Labcorp Genetics (formerly Invitae), Labcorp
Classification: Uncertain significance. Last evaluated: 2025-01-06. Review status: criteria provided, single submitter. Criteria: Invitae Variant Classification Sherloc (09022015). Collection method: clinical testing. Allele origin: germline.
Comment: This sequence change replaces isoleucine, which is neutral and non-polar, with threonine, which is neutral and polar, at codon 776 of the ALPK3 protein (p.Ile776Thr). This variant is present in population databases (rs767529202, gnomAD 0.003%). This variant has not been reported in the literature in individuals affected with ALPK3-related conditions. ClinVar contains an entry for this variant (Variation ID: 1441731). Invitae Evidence Modeling of protein sequence and biophysical properties (such as structural, functional, and spatial information, amino acid conservation, physicochemical variation, residue mobility, and thermodynamic stability) indicates that this missense variant is not expected to disrupt ALPK3 protein function with a negative predictive value of 80%. In summary, the available evidence is currently insufficient to determine the role of this variant in disease. Therefore, it has been classified as a Variant of Uncertain Significance.

NM_020778.5(ALPK3):c.1721T>C (p.Ile574Thr)

Gene: ALPK3 (alpha kinase 3; plus strand). Cytogenetic location: 15q25.3.
Variant type: single nucleotide variant.
Coding change: c.1721T>C on transcript NM_020778.5 (MANE Select); coding-DNA position 1721, T replaced by C.
Protein change: p.Ile574Thr; replaces isoleucine 574 with threonine.
Molecular consequence: missense variant.
Genome position (GRCh38, 1-based): chr15:84,856,459, T>C. VCF-style: chr15-84856459-T-C. GRCh37 (hg19) VCF-style: chr15-85399690-T-C.
Other names: c.2327T>C (NM_020778.4); short protein forms I574T.
Identifiers: ClinVar variation 1441731 (VCV001441731.8), dbSNP rs767529202, ClinGen allele CA7709281.
Genomic context (GRCh38, chr15:84,856,459, plus strand): 5'-AATGCCAGACAACCACGGCTCCTACCATGTCGGCCAGCAGCAGCTCTGATGTAGCCTCCA[T>C]TGGGGTTAGCACTTCCGGAAGTCAAGGTATCATTGAACCCATGGATATGGAAACCCAGGA-3'
Protein context (NP_065829.4, residues 564-584): SASSSSDVAS[Ile574Thr]GVSTSGSQGI